The following is an entry in ClinVar:

ClinVar aggregate classification (germline): Conflicting classifications of pathogenicity. Review status: criteria provided, conflicting classifications (1 of 4 stars). 2 submissions from 2 submitters: Uncertain significance (1); Likely benign (1). Last evaluated 2025-11-28.

Allele frequency attached by ClinVar (database versions not stated): TOPMed below 0.00001; gnomAD 0.00001.
gnomAD v4.1: 1 of 1,610,974 alleles (0.000062%); highest among the groups gnomAD compares: African/African-American, 0.0013%; no homozygotes.

Submissions (2):

Women's Health and Genetics/Laboratory Corporation of America, LabCorp
Classification: Uncertain significance. Last evaluated: 2025-11-28. Review status: criteria provided, single submitter. Criteria: LabCorp Variant Classification Summary - May 2015. Collection method: clinical testing. Allele origin: germline.
Comment: Variant summary: PRDM5 c.946-7T>G alters a nucleotide located at a position not widely known to affect splicing. Several computational tools predict a significant impact on normal splicing: Three predict the variant weakens a 3' acceptor site. However, these predictions have yet to be confirmed by functional studies. The variant was absent in 277884 control chromosomes. The available data on variant occurrences in the general population are insufficient to allow any conclusion about variant significance. To our knowledge, no occurrence of c.946-7T>G in individuals affected with PRDM5-related conditions and no experimental evidence demonstrating its impact on protein function have been reported. ClinVar contains an entry for this variant (Variation ID: 2982923). Based on the evidence outlined above, the variant was classified as uncertain significance.

Labcorp Genetics (formerly Invitae), Labcorp
Classification: Likely benign. Last evaluated: 2022-12-10. Review status: criteria provided, single submitter. Criteria: Invitae Variant Classification Sherloc (09022015). Collection method: clinical testing. Allele origin: germline.

NM_018699.4(PRDM5):c.946-7T>G

Gene: PRDM5 (PR/SET domain 5; minus strand). Cytogenetic location: 4q27.
Variant type: single nucleotide variant.
Coding change: c.946-7T>G on transcript NM_018699.4 (MANE Select); 7 bases into the intron before coding-DNA position 946, T replaced by G.
Molecular consequence: intron variant.
Genome position (GRCh38, 1-based): chr4:120,799,752, A>C on the plus strand (T>G on the coding strand, the complement: PRDM5 is on the minus strand). VCF-style: chr4-120799752-A-C. GRCh37 (hg19) VCF-style: chr4-121720907-A-C.
Other names: c.853-7T>G (NM_001300824.2, NM_001379106.1, NM_001300823.2); c.946-7T>G (NM_001379104.1).
Identifiers: ClinVar variation 2982923 (VCV002982923.4), dbSNP rs1343793848, ClinGen allele CA786271863.